The following is an entry in ClinVar:

NM_001164508.2(NEB):c.20575G>T (p.Glu6859Ter)

Gene: NEB (nebulin; minus strand). Cytogenetic location: 2q23.3.
Variant type: single nucleotide variant.
Coding change: c.20575G>T on transcript NM_001164508.2 (MANE Select); coding-DNA position 20575, G replaced by T.
Protein change: p.Glu6859Ter; replaces glutamic acid 6859 with a stop codon.
Molecular consequence: nonsense.
Genome position (GRCh38, 1-based): chr2:151,545,890, C>A on the plus strand (G>T on the coding strand, the complement: NEB is on the minus strand). VCF-style: chr2-151545890-C-A. GRCh37 (hg19) VCF-style: chr2-152402404-C-A.
Other names: c.20575G>T, p.Glu6859Ter (NM_001164507.2, NM_001271208.2); c.15472G>T, p.Glu5158Ter (NM_004543.5); short protein forms E5158*, E6859*.
Identifiers: ClinVar variation 5013140 (VCV005013140.1).

ClinVar aggregate classification (germline): Pathogenic (1 of 4 stars; one submission).

Conditions:
Nemaline myopathy 2 (NEM2). Also called: Nemaline myopathy 2, autosomal recessive. Identifiers: MedGen C1850569, MONDO:0009725, OMIM 256030.

Submission:

Myriad Genetics, Inc.
Classification: Pathogenic for Nemaline myopathy 2. Last evaluated: 2024-06-03. Review status: criteria provided, single submitter. Criteria: Myriad Autosomal Dominant, Autosomal Recessive and X-Linked Classification Criteria (2023). Collection method: clinical testing. Allele origin: unknown.
Comment: NM_001271208.1(NEB):c.20575G>T(E6859*) is expected to be pathogenic in the context of NEB-related nemaline myopathy. This variant is predicted to lead to an abnormal or absent protein product due to the creation of a premature termination codon in NEB, a gene where loss-of-function variants are known to be pathogenic. Please note: this variant was assessed in the context of healthy population screening.